The following is an entry in ClinVar:

NM_203447.4(DOCK8):c.1327A>G (p.Arg443Gly)

Gene: DOCK8 (dedicator of cytokinesis 8; plus strand). Cytogenetic location: 9p24.3.
Variant type: single nucleotide variant.
Coding change: c.1327A>G on transcript NM_203447.4 (MANE Select); coding-DNA position 1327, A replaced by G.
Protein change: p.Arg443Gly; replaces arginine 443 with glycine.
Molecular consequence: missense variant.
Genome position (GRCh38, 1-based): chr9:336,623, A>G. VCF-style: chr9-336623-A-G. GRCh37 (hg19) VCF-style: chr9-336623-A-G.
Other names: c.1123A>G, p.Arg375Gly (NM_001190458.2, NM_001193536.2); short protein forms R375G, R443G.
Identifiers: ClinVar variation 1058763 (VCV001058763.6), dbSNP rs1282518477, ClinGen allele CA372753248.

ClinVar aggregate classification (germline): Uncertain significance (1 of 4 stars; one submission).

Conditions:
Combined immunodeficiency due to DOCK8 deficiency (HIES2). Also called: Hyper-IgE recurrent infection syndrome, autosomal recessive; DOCK8 Deficiency; HYPER-IgE RECURRENT INFECTION SYNDROME 2, AUTOSOMAL RECESSIVE; HYPER-IgE SYNDROME 2, AUTOSOMAL RECESSIVE, WITH RECURRENT INFECTIONS; HIES autosomal recessive. Identifiers: Orphanet 217390, MedGen C4722305, MONDO:0009478, OMIM 243700.

Allele frequency attached by ClinVar (database versions not stated): gnomAD 0.00001; TOPMed 0.00001.
gnomAD v4.1: 2 of 1,614,110 alleles (0.00012%); highest among the groups gnomAD compares: Non-Finnish European, 0.00017%; no homozygotes.

Submission:

Labcorp Genetics (formerly Invitae), Labcorp
Classification: Uncertain significance for Combined immunodeficiency due to DOCK8 deficiency. Last evaluated: 2021-08-27. Review status: criteria provided, single submitter. Criteria: Invitae Variant Classification Sherloc (09022015). Collection method: clinical testing. Allele origin: germline.
Comment: This sequence change replaces arginine with glycine at codon 443 of the DOCK8 protein (p.Arg443Gly). The arginine residue is highly conserved and there is a moderate physicochemical difference between arginine and glycine. This variant is not present in population databases (ExAC no frequency). This variant has not been reported in the literature in individuals affected with DOCK8-related conditions. Algorithms developed to predict the effect of missense changes on protein structure and function are either unavailable or do not agree on the potential impact of this missense change (SIFT: "Tolerated"; PolyPhen-2: "Probably Damaging"; Align-GVGD: "Class C0"). In summary, the available evidence is currently insufficient to determine the role of this variant in disease. Therefore, it has been classified as a Variant of Uncertain Significance.